The following is an entry in ClinVar:

NM_000340.2(SLC2A2):c.841G>A (p.Glu281Lys)

Gene: SLC2A2 (solute carrier family 2 member 2; minus strand). Cytogenetic location: 3q26.2.
Variant type: single nucleotide variant.
Coding change: c.841G>A on transcript NM_000340.2 (MANE Select); coding-DNA position 841, G replaced by A.
Protein change: p.Glu281Lys; replaces glutamic acid 281 with lysine.
Molecular consequence: missense variant.
Genome position (GRCh38, 1-based): chr3:171,005,407, C>T on the plus strand (G>A on the coding strand, the complement: SLC2A2 is on the minus strand). VCF-style: chr3-171005407-C-T. GRCh37 (hg19) VCF-style: chr3-170723196-C-T.
Other names: c.484G>A, p.Glu162Lys (NM_001278658.2); c.322G>A, p.Glu108Lys (NM_001278659.2); short protein forms E108K, E162K, E281K.
Identifiers: ClinVar variation 1717847 (VCV001717847.5), dbSNP rs2473895829, ClinGen allele CA355488678.

ClinVar aggregate classification (germline): Uncertain significance (1 of 4 stars; one submission).

Conditions:
Fanconi-Bickel syndrome (FBS). Also called: FANCONI SYNDROME WITH INTESTINAL MALABSORPTION AND GALACTOSE INTOLERANCE; HEPATIC GLYCOGENOSIS WITH AMINO ACIDURIA AND GLUCOSURIA; HEPATIC GLYCOGENOSIS WITH FANCONI NEPHROPATHY; HEPATORENAL GLYCOGENOSIS WITH RENAL FANCONI SYNDROME; Glycogen storage disease due to GLUT2 deficiency; PSEUDO-PHLORIZIN DIABETES. Identifiers: Orphanet 2088, MedGen C3495427, MONDO:0009216, OMIM 227810.

Submission:

Labcorp Genetics (formerly Invitae), Labcorp
Classification: Uncertain significance for Fanconi-Bickel syndrome. Last evaluated: 2022-07-21. Review status: criteria provided, single submitter. Criteria: Invitae Variant Classification Sherloc (09022015). Collection method: clinical testing. Allele origin: germline.
Comment: In summary, the available evidence is currently insufficient to determine the role of this variant in disease. Therefore, it has been classified as a Variant of Uncertain Significance. Advanced modeling of protein sequence and biophysical properties (such as structural, functional, and spatial information, amino acid conservation, physicochemical variation, residue mobility, and thermodynamic stability) performed at Invitae indicates that this missense variant is not expected to disrupt SLC2A2 protein function. This variant has not been reported in the literature in individuals affected with SLC2A2-related conditions. This variant is not present in population databases (gnomAD no frequency). This sequence change replaces glutamic acid, which is acidic and polar, with lysine, which is basic and polar, at codon 281 of the SLC2A2 protein (p.Glu281Lys).